The following is an entry in ClinVar:

NM_018129.4(PNPO):c.12G>T (p.Trp4Cys)

Gene: PNPO (pyridoxamine 5'-phosphate oxidase; plus strand). Cytogenetic location: 17q21.32.
Variant type: single nucleotide variant.
Coding change: c.12G>T on transcript NM_018129.4 (MANE Select); coding-DNA position 12, G replaced by T.
Protein change: p.Trp4Cys; replaces tryptophan 4 with cysteine.
Molecular consequence: missense variant.
Genome position (GRCh38, 1-based): chr17:47,941,687, G>T. VCF-style: chr17-47941687-G-T. GRCh37 (hg19) VCF-style: chr17-46019053-G-T.
Other names: p.W4C:TGG>TGT; short protein forms W4C.
Identifiers: ClinVar variation 206439 (VCV000206439.9), dbSNP rs773614378, ClinGen allele CA316544.

ClinVar aggregate classification (germline): Uncertain significance. Review status: criteria provided, multiple submitters, no conflicts (2 of 4 stars). 4 submissions from 4 submitters: Uncertain significance (4). Last evaluated 2024-08-10.

Conditions:
Inborn genetic diseases. Identifiers: MedGen C0950123, MeSH D030342.
Pyridoxal phosphate-responsive seizures (PNPOD). Also called: SEIZURES, PYRIDOXINE-RESISTANT, PLP-SENSITIVE; EPILEPTIC ENCEPHALOPATHY, NEONATAL, PNPO-RELATED; Pyridoxine-5'-phosphate oxidase deficiency; Pyridoxal 5'-Phosphate (PLP)-Dependent Epilepsy; Pyridoxamine 5-Prime-Phosphate Oxidase Deficiency. Identifiers: Orphanet 79096, MedGen C1864723, MONDO:0012407, OMIM 610090. Disease mechanism: loss of function.

Allele frequency attached by ClinVar (database versions not stated): ExAC below 0.00001; TOPMed 0.00013; gnomAD 0.00015 and 0.00016.
gnomAD v4.1: 35 of 1,539,342 alleles (0.0023%); highest among the groups gnomAD compares: African/African-American, 0.045%; no homozygotes.

Submissions (4):

Ambry Genetics
Classification: Uncertain significance for Inborn genetic diseases. Last evaluated: 2024-08-10. Review status: criteria provided, single submitter. Criteria: Ambry Variant Classification Scheme 2023. Collection method: clinical testing. Allele origin: germline.

Labcorp Genetics (formerly Invitae), Labcorp
Classification: Uncertain significance for Pyridoxal phosphate-responsive seizures. Last evaluated: 2024-06-05. Review status: criteria provided, single submitter. Criteria: Invitae Variant Classification Sherloc (09022015). Collection method: clinical testing. Allele origin: germline.
Comment: This sequence change replaces tryptophan, which is neutral and slightly polar, with cysteine, which is neutral and slightly polar, at codon 4 of the PNPO protein (p.Trp4Cys). This variant is present in population databases (rs773614378, gnomAD 0.06%). This variant has not been reported in the literature in individuals affected with PNPO-related conditions. ClinVar contains an entry for this variant (Variation ID: 206439). An algorithm developed to predict the effect of missense changes on protein structure and function (PolyPhen-2) suggests that this variant¬†is likely to be tolerated. In summary, the available evidence is currently insufficient to determine the role of this variant in disease. Therefore, it has been classified as a Variant of Uncertain Significance.

GeneDx
Classification: Uncertain significance. Last evaluated: 2019-05-20. Review status: criteria provided, single submitter. Criteria: GeneDx Variant Classification Process June 2021. Collection method: clinical testing. Allele origin: germline. Affected: yes.
Comment: In silico analysis, which includes protein predictors and evolutionary conservation, supports that this variant does not alter protein structure/function; Has not been previously published as pathogenic or benign to our knowledge

Breakthrough Genomics
Classification: Uncertain significance. Review status: criteria provided, single submitter. Criteria: ACMG Guidelines, 2015. Collection method: not provided. Allele origin: germline. Inheritance: Autosomal recessive inheritance. Affected: yes.